The following is an entry in ClinVar:

NM_201253.3(CRB1):c.404T>A (p.Ile135Asn)

Gene: CRB1 (crumbs cell polarity complex component 1; plus strand). Cytogenetic location: 1q31.3.
Variant type: single nucleotide variant.
Coding change: c.404T>A on transcript NM_201253.3 (MANE Select); coding-DNA position 404, T replaced by A.
Protein change: p.Ile135Asn; replaces isoleucine 135 with asparagine.
Molecular consequence: missense variant. On other transcripts: non-coding transcript variant (2).
Genome position (GRCh38, 1-based): chr1:197,328,755, T>A. VCF-style: chr1-197328755-T-A. GRCh37 (hg19) VCF-style: chr1-197297885-T-A.
Other names: c.404T>A, p.Ile135Asn (NM_001193640.2, NM_001257966.2); c.197T>A, p.Ile66Asn (NM_001257965.2); short protein forms I135N, I66N.
Identifiers: ClinVar variation 1421467 (VCV001421467.6), dbSNP rs1316048135, ClinGen allele CA344085697.

ClinVar aggregate classification (germline): Uncertain significance. Review status: criteria provided, multiple submitters, no conflicts (2 of 4 stars). 2 submissions from 2 submitters: Uncertain significance (2). Last evaluated 2021-08-26.

Conditions:
Leber congenital amaurosis 8 (LCA8). Identifiers: Orphanet 65, MedGen C3151202, MONDO:0013453, OMIM 613835.
Retinitis pigmentosa 12 (RP12). Also called: RP WITH OR WITHOUT PRESERVED PARAARTERIOLE RETINAL PIGMENT EPITHELIUM; RETINITIS PIGMENTOSA WITH OR WITHOUT PARAARTERIOLAR PRESERVATION OF RETINAL PIGMENT EPITHELIUM; RP WITH OR WITHOUT PPRPE. Identifiers: Orphanet 791, MedGen C1838647, MONDO:0010818, OMIM 600105.

Allele frequency attached by ClinVar (database versions not stated): gnomAD exomes below 0.00001; TOPMed below 0.00001; gnomAD 0.00002.
gnomAD v4.1: 7 of 1,611,744 alleles (0.00043%); highest among the groups gnomAD compares: Non-Finnish European, 0.00059%; no homozygotes.

Submissions (2):

Labcorp Genetics (formerly Invitae), Labcorp
Classification: Uncertain significance for Leber congenital amaurosis 8; Retinitis pigmentosa 12. Last evaluated: 2021-08-26. Review status: criteria provided, single submitter. Criteria: Invitae Variant Classification Sherloc (09022015). Collection method: clinical testing. Allele origin: germline.
Comment: This sequence change replaces isoleucine with asparagine at codon 135 of the CRB1 protein (p.Ile135Asn). The isoleucine residue is moderately conserved and there is a large physicochemical difference between isoleucine and asparagine. This variant is not present in population databases (ExAC no frequency). This variant has not been reported in the literature in individuals affected with CRB1-related conditions. Algorithms developed to predict the effect of missense changes on protein structure and function (SIFT, PolyPhen-2, Align-GVGD) all suggest that this variant is likely to be disruptive. In summary, the available evidence is currently insufficient to determine the role of this variant in disease. Therefore, it has been classified as a Variant of Uncertain Significance.

Blueprint Genetics
Classification: Uncertain significance. Last evaluated: 2019-10-28. Review status: criteria provided, single submitter. Criteria: ACMG Guidelines, 2015. Collection method: clinical testing. Allele origin: germline.